The following is an entry in ClinVar:

NM_001174147.2(LMX1B):c.*3716C>G

Gene: LMX1B (LIM homeobox transcription factor 1 beta; plus strand). Cytogenetic location: 9q33.3.
Variant type: single nucleotide variant.
Coding change: c.*3716C>G on transcript NM_001174147.2 (MANE Select); 3716 bases downstream of the stop codon, C replaced by G.
Molecular consequence: 3 prime UTR variant.
Genome position (GRCh38, 1-based): chr9:126,700,167, C>G. VCF-style: chr9-126700167-C-G. GRCh37 (hg19) VCF-style: chr9-129462446-C-G.
Other names: c.*3716C>G (NM_001174146.2, NM_002316.4).
Identifiers: ClinVar variation 364976 (VCV000364976.29), dbSNP rs147614955, ClinGen allele CA10632332.

ClinVar aggregate classification (germline): Benign. Review status: criteria provided, multiple submitters, no conflicts (2 of 4 stars). 2 submissions from 2 submitters: Benign (2). Last evaluated 2023-07-01.

Conditions:
Nail-patella syndrome (NPS). Also called: FONG DISEASE; ONYCHOOSTEODYSPLASIA; TURNER-KIESER SYNDROME. Identifiers: Orphanet 2614, MedGen C0027341, MONDO:0008061, OMIM 161200.

Allele frequency attached by ClinVar (database versions not stated): 1000 Genomes Project 0.00120; 1000 Genomes Project 30x 0.00125; TOPMed 0.00320; gnomAD 0.00322 and 0.00324.

Submissions (2):

CeGaT Center for Human Genetics Tuebingen
Classification: Benign. Last evaluated: 2023-07-01. Review status: criteria provided, single submitter. Criteria: CeGaT Center For Human Genetics Tuebingen Variant Classification Criteria Version 2. Collection method: clinical testing. Allele origin: germline. Affected: yes. Observed: 3 variant alleles.
Comment: LMX1B: BS1, BS2

Illumina Laboratory Services, Illumina
Classification: Benign for Nail-patella syndrome. Last evaluated: 2018-01-12. Review status: criteria provided, single submitter. Criteria: ICSL Variant Classification Criteria 13 December 2019. Collection method: clinical testing. Allele origin: germline.
Comment: This variant was observed in the ICSL laboratory as part of a predisposition screen in an ostensibly healthy population. It had not been previously curated by ICSL or reported in the Human Gene Mutation Database (HGMD: prior to June 1st, 2018), and was therefore a candidate for classification through an automated scoring system. Utilizing variant allele frequency, disease prevalence and penetrance estimates, and inheritance mode, an automated score was calculated to assess if this variant is too frequent to cause the disease. Based on the score and internal cut-off values, a variant classified as benign is not then subjected to further curation. The score for this variant resulted in a classification of benign for this disease.